The following is an entry in ClinVar:

ClinVar aggregate classification (germline): Uncertain significance (1 of 4 stars; one submission).

Conditions:
Sideroblastic anemia 2. Also called: Anemia, sideroblastic, 2, pyridoxine-refractory. Identifiers: Orphanet 260305, MedGen C4225425, MONDO:0008785, OMIM 205950.

Submission:

Department of Haematogenetics, ICMR National Institute of Immunohaematology
Classification: Uncertain significance for Sideroblastic anemia 2. Last evaluated: 2026-10-05. Review status: criteria provided, single submitter. Criteria: ACMG Guidelines, 2015. Collection method: research. Allele origin: germline. Affected: yes.
Comment: This variant is classified as Uncertain significance (PM2+PM3) as per the ACMG guidelines.The variant was identified in compound heterozygous state with previously reported Likely pathogenic variant c.560G>A (p.Arg187Gln).

NM_017875.4(SLC25A38):c.715G>T (p.Asp239Tyr)

Gene: SLC25A38 (solute carrier family 25 member 38; plus strand). Cytogenetic location: 3p22.1.
Variant type: single nucleotide variant.
Coding change: c.715G>T on transcript NM_017875.4 (MANE Select); coding-DNA position 715, G replaced by T.
Protein change: p.Asp239Tyr; replaces aspartic acid 239 with tyrosine.
Molecular consequence: missense variant. On other transcripts: intron variant (1).
Genome position (GRCh38, 1-based): chr3:39,394,499, G>T. VCF-style: chr3-39394499-G-T. GRCh37 (hg19) VCF-style: chr3-39435990-G-T.
Other names: c.626-1899G>T (NM_001354798.2); short protein forms D239Y.
Identifiers: ClinVar variation 5010303 (VCV005010303.1).
Genomic context (GRCh38, chr3:39,394,499, plus strand): 5'-ACAAATTTCAGCTGTGGGATATTTGCTGGTATTCTGGCCTCACTGGTAACTCAACCTGCG[G>T]ATGTTATCAAAACTCATATGCAGCTTTATCCACTGAAGTTTCAATGGATTGGCCAAGCAG-3'
Protein context (NP_060345.2, residues 229-249): ILASLVTQPA[Asp239Tyr]VIKTHMQLYP